The following is an entry in ClinVar:

NM_033380.3(COL4A5):c.3365G>T (p.Gly1122Val)

Gene: COL4A5 (collagen type IV alpha 5 chain; plus strand). Cytogenetic location: Xq22.3.
Variant type: single nucleotide variant.
Coding change: c.3365G>T on transcript NM_033380.3 (MANE Select); coding-DNA position 3365, G replaced by T.
Protein change: p.Gly1122Val; replaces glycine 1122 with valine.
Molecular consequence: missense variant.
Genome position (GRCh38, 1-based): chrX:108,655,449, G>T. VCF-style: chrX-108655449-G-T. GRCh37 (hg19) VCF-style: chrX-107898679-G-T.
Other names: p.(Gly1122Val); c.3365G>T, p.Gly1122Val (NM_000495.5); short protein forms G1122V.
Identifiers: ClinVar variation 5041990 (VCV005041990.1).
Genomic context (GRCh38, chrX:108,655,449, plus strand): 5'-ATCCTGGTTTGCCCGGATTACCAGGAACCCCTGGAGCAAAAGGACAACCAGGCCTTCCTG[G>T]ATTCCCAGGTAAAATTTCTTCTCTTAAATGCTTCCTTCTTTCCTTCCTTATCTACTCCAA-3'
Protein context (NP_203699.1, residues 1112-1132): PGAKGQPGLP[Gly1122Val]FPGTPGPPGP

ClinVar aggregate classification (germline): Likely pathogenic (1 of 4 stars; one submission).

Conditions:
X-linked Alport syndrome (ATS1). Also called: NEPHROPATHY AND DEAFNESS, X-LINKED; COL4A5-Related Nephropathy. Identifiers: Orphanet 63, Orphanet 88917, MedGen C4746986, MONDO:0010520, OMIM 301050.

Submission:

Centre de Génétique Humaine, Institut de Pathologie Et de Génétique
Classification: Likely pathogenic for X-linked Alport syndrome. Last evaluated: 2023-07-03. Review status: criteria provided, single submitter. Criteria: ACMG Guidelines, 2015. Collection method: clinical testing. Allele origin: maternal, germline. Inheritance: X-linked dominant inheritance. Affected: yes. Observed: 2 variant alleles, 2 hemizygotes. Clinical features observed: Microscopic hematuria (HP:0002907), Severe albuminuria (HP:0033066), Stage 5 chronic kidney disease (HP:0003774), Sensorineural hearing loss disorder (HP:0000407), Stage 3 chronic kidney disease (HP:0012625), Focal segmental glomerulosclerosis (HP:0000097). Segregation with disease observed.
Comment: This missense variant involves a highly conserved glycine located in a ‘Gly-X-Y’ motif in collagenous region, (PM1,PP2). This variant is rare: absent in gnomAD v4.1.0 database (PM2). Another missense variant affecting the same residue described as LP in ClinVar: c.3365G>A (p.Gly1122Glu) (PM5). In silico analysis supports that this missense variant has a deleterious effect (PP3)